The following is an entry in ClinVar:

ClinVar aggregate classification (germline): Uncertain significance. Review status: criteria provided, multiple submitters, no conflicts (2 of 4 stars). 2 submissions from 2 submitters: Uncertain significance (2). Last evaluated 2024-05-09.

Conditions:
Epidermodysplasia verruciformis. Identifiers: Orphanet 302, MedGen C0014522, MONDO:0009176.
Epidermodysplasia verruciformis, susceptibility to, 2. Also called: Epidermodysplasia verruciformis 2. Identifiers: MedGen C4722258, MONDO:0032614, OMIM 618231.

Allele frequency attached by ClinVar (database versions not stated): TOPMed below 0.00001; gnomAD exomes 0.00001 and 0.00003; gnomAD 0.00002; ExAC 0.00003.

Submissions (2):

Fulgent Genetics
Classification: Uncertain significance for Epidermodysplasia verruciformis, susceptibility to, 2. Last evaluated: 2024-05-09. Review status: criteria provided, single submitter. Criteria: ACMG Guidelines, 2015. Collection method: clinical testing. Allele origin: germline.

Labcorp Genetics (formerly Invitae), Labcorp
Classification: Uncertain significance for Epidermodysplasia verruciformis. Last evaluated: 2022-07-05. Review status: criteria provided, single submitter. Criteria: Invitae Variant Classification Sherloc (09022015). Collection method: clinical testing. Allele origin: germline.
Comment: In summary, the available evidence is currently insufficient to determine the role of this variant in disease. Therefore, it has been classified as a Variant of Uncertain Significance. Algorithms developed to predict the effect of missense changes on protein structure and function are either unavailable or do not agree on the potential impact of this missense change (SIFT: "Tolerated"; PolyPhen-2: "Possibly Damaging"; Align-GVGD: "Class C0"). ClinVar contains an entry for this variant (Variation ID: 1044649). This variant has not been reported in the literature in individuals affected with TMC8-related conditions. This variant is present in population databases (rs772823217, gnomAD 0.03%). This sequence change replaces alanine, which is neutral and non-polar, with threonine, which is neutral and polar, at codon 598 of the TMC8 protein (p.Ala598Thr).

NM_152468.5(TMC8):c.1792G>A (p.Ala598Thr)

Gene: TMC8 (transmembrane channel like 8; plus strand). Cytogenetic location: 17q25.3.
Variant type: single nucleotide variant.
Coding change: c.1792G>A on transcript NM_152468.5 (MANE Select); coding-DNA position 1792, G replaced by A.
Protein change: p.Ala598Thr; replaces alanine 598 with threonine.
Molecular consequence: missense variant.
Genome position (GRCh38, 1-based): chr17:78,138,701, G>A. VCF-style: chr17-78138701-G-A. GRCh37 (hg19) VCF-style: chr17-76134782-G-A.
Other names: short protein forms A598T.
Identifiers: ClinVar variation 1044649 (VCV001044649.10), dbSNP rs772823217, ClinGen allele CA8796981.